The following is an entry in ClinVar:

NM_000038.6(APC):c.4993C>G (p.Pro1665Ala)

Gene: APC (APC regulator of Wnt signaling pathway; plus strand). Cytogenetic location: 5q22.2.
Variant type: single nucleotide variant.
Coding change: c.4993C>G on transcript NM_000038.6 (MANE Select); coding-DNA position 4993, C replaced by G.
Protein change: p.Pro1665Ala; replaces proline 1665 with alanine.
Molecular consequence: missense variant.
Genome position (GRCh38, 1-based): chr5:112,840,587, C>G. VCF-style: chr5-112840587-C-G. GRCh37 (hg19) VCF-style: chr5-112176284-C-G.
Other names: c.4993C>G, p.Pro1665Ala (NM_001127510.3, NM_001354895.2); c.4939C>G, p.Pro1647Ala (NM_001127511.3); c.5047C>G, p.Pro1683Ala (NM_001354896.2); c.5023C>G, p.Pro1675Ala (NM_001354897.2); c.4918C>G, p.Pro1640Ala (NM_001354898.2); c.4909C>G, p.Pro1637Ala (NM_001354899.2); c.4870C>G, p.Pro1624Ala (NM_001354900.2); c.4816C>G, p.Pro1606Ala (NM_001354901.2); and 5 more; short protein forms P1637A, P1647A, P1382A, P1564A, P1505A, P1574A, P1640A, P1675A.
Identifiers: ClinVar variation 651065 (VCV000651065.21), dbSNP rs1561596883, ClinGen allele CA16032259.

ClinVar aggregate classification (germline): Uncertain significance. Review status: criteria provided, multiple submitters, no conflicts (2 of 4 stars). 6 submissions from 6 submitters: Uncertain significance (5). 1 of the submissions does not count toward it. Last evaluated 2025-05-02.

Conditions:
Classic or attenuated familial adenomatous polyposis. Identifiers: MedGen CN372698, MONDO:0021057.
Familial adenomatous polyposis 1 (FAP1). Also called: FAMILIAL ADENOMATOUS POLYPOSIS 1, ATTENUATED; POLYPOSIS, ADENOMATOUS INTESTINAL. Identifiers: MedGen C2713442, MONDO:0021056, OMIM 175100. Disease mechanism: loss of function.
Hereditary cancer-predisposing syndrome. Also called: Neoplastic Syndromes, Hereditary; Tumor predisposition; Hereditary Cancer Syndrome; Hereditary neoplastic syndrome. Identifiers: Orphanet 140162, MedGen C0027672, MeSH D009386, MONDO:0015356.

Allele frequency attached by ClinVar (database versions not stated): gnomAD exomes below 0.00001.
gnomAD v4.1: 1 of 1,614,064 alleles (0.000062%); highest among the groups gnomAD compares: Non-Finnish European, 0.000085%; no homozygotes.

Submissions (6):

GeneDx
Classification: Uncertain significance. Last evaluated: 2025-05-02. Review status: criteria provided, single submitter. Criteria: GeneDx Variant Classification Process June 2021. Collection method: clinical testing. Allele origin: germline. Affected: yes.
Comment: Not observed at significant frequency in large population cohorts (gnomAD); In silico analysis supports that this missense variant has a deleterious effect on protein structure/function; Has not been previously published as pathogenic or benign to our knowledge; This variant is associated with the following publications: (PMID: 18199528)

Ambry Genetics
Classification: Uncertain significance for Hereditary cancer-predisposing syndrome. Last evaluated: 2025-01-21. Review status: criteria provided, single submitter. Criteria: Ambry Variant Classification Scheme 2023. Collection method: clinical testing. Allele origin: germline.
Comment: The p.P1665A variant (also known as c.4993C>G), located in coding exon 15 of the APC gene, results from a C to G substitution at nucleotide position 4993. The proline at codon 1665 is replaced by alanine, an amino acid with highly similar properties. This amino acid position is highly conserved in available vertebrate species. In addition, in silico predictors for this gene do not accurately predict pathogenicity. Missense alterations in APC are not a common cause of disease (Spier I et al. Genet Med. 2024 Feb;26(2):100992). Based on the available evidence, the clinical significance of this variant remains unclear.

All of Us Research Program, National Institutes of Health
Classification: Uncertain significance for Classic or attenuated familial adenomatous polyposis. Last evaluated: 2024-04-16. Review status: criteria provided, single submitter. Criteria: ACMG Guidelines, 2015. Collection method: clinical testing. Allele origin: germline. Inheritance: Autosomal dominant inheritance. Observed: 1 variant allele, 1 heterozygote.
Comment: This missense variant replaces proline with alanine at codon 1665 of the APC protein. Computational prediction is inconclusive regarding the impact of this variant on protein structure and function (internally defined REVEL score threshold 0.5 < inconclusive < 0.7, PMID: 27666373). To our knowledge, functional studies have not been reported for this variant. This variant has not been reported in individuals affected with hereditary cancer in the literature. This variant has been identified in 1/250332 chromosomes in the general population by the Genome Aggregation Database (gnomAD). The available evidence is insufficient to determine the role of this variant in disease conclusively. Therefore, this variant is classified as a Variant of Uncertain Significance.

This study involves interpretation of variants in research participants for the purpose of population health screening. Participant phenotype was not available at the time of variant classification. Additional details can be found in publication PMID: 35346344, PMCID: PMC8962531

Color Diagnostics, LLC DBA Color Health
Classification: Uncertain significance for Hereditary cancer-predisposing syndrome. Last evaluated: 2024-03-20. Review status: criteria provided, single submitter. Criteria: ACMG Guidelines, 2015. Collection method: clinical testing. Allele origin: germline.
Comment: This missense variant replaces proline with alanine at codon 1665 of the APC protein. Computational prediction suggests that this variant may not impact protein structure and function (internally defined REVEL score threshold <= 0.5, PMID: 27666373). To our knowledge, functional studies have not been reported for this variant. This variant has not been reported in individuals affected with APC-related disorders in the literature. This variant has been identified in 1/250332 chromosomes in the general population by the Genome Aggregation Database (gnomAD). The available evidence is insufficient to determine the role of this variant in disease conclusively. Therefore, this variant is classified as a Variant of Uncertain Significance.

Labcorp Genetics (formerly Invitae), Labcorp
Classification: Uncertain significance for Familial adenomatous polyposis 1. Last evaluated: 2023-04-27. Review status: criteria provided, single submitter. Criteria: Invitae Variant Classification Sherloc (09022015). Collection method: clinical testing. Allele origin: germline.
Comment: In summary, the available evidence is currently insufficient to determine the role of this variant in disease. Therefore, it has been classified as a Variant of Uncertain Significance. Advanced modeling of protein sequence and biophysical properties (such as structural, functional, and spatial information, amino acid conservation, physicochemical variation, residue mobility, and thermodynamic stability) performed at Invitae indicates that this missense variant is not expected to disrupt APC protein function. ClinVar contains an entry for this variant (Variation ID: 651065). This variant has not been reported in the literature in individuals affected with APC-related conditions. This variant is not present in population databases (gnomAD no frequency). This sequence change replaces proline, which is neutral and non-polar, with alanine, which is neutral and non-polar, at codon 1665 of the APC protein (p.Pro1665Ala).

Genetic Services Laboratory, University of Chicago
Classification: Uncertain significance. Last evaluated: 2022-05-26. Review status: no assertion criteria provided. Collection method: clinical testing. Allele origin: germline. Affected: no. Not counted in ClinVar's aggregate classification.
Comment: DNA sequence analysis of the APC gene demonstrated a sequence change, c.4993C>G, in exon 16 that results in an amino acid change, p.Pro1665Ala. This sequence change does not appear to have been previously described in individuals with APC-related disorders. This sequence change has been described in the gnomAD database in one individual which corresponds to a population frequency of 0.0004 % (dbSNP NA). The p.Pro1665Ala change affects a highly conserved amino acid residue located in a domain of the APC protein that is not known to be functional. In-silico pathogenicity prediction tools (SIFT, PolyPhen2, Align GVGD, REVEL) provide contradictory results for the p.Pro1665Ala substitution. Due to insufficient evidences and the lack of functional studies, the clinical significance of the p.Pro1665Ala change remains unknown at this time.